The following is an entry in ClinVar:

ClinVar aggregate classification (germline): Conflicting classifications of pathogenicity. Review status: criteria provided, conflicting classifications (1 of 4 stars). 2 submissions from 2 submitters: Likely pathogenic (1); Uncertain significance (1). Last evaluated 2026-08-05.

Conditions:
Cardiovascular phenotype. Identifiers: MedGen CN230736.
Hypertrophic cardiomyopathy. Also called: HYPERTROPHIC MYOCARDIOPATHY. Identifiers: Orphanet 217569, MedGen C0007194, MeSH D002312, MONDO:0005045, HP:0001639.

Allele frequency attached by ClinVar (database versions not stated): gnomAD below 0.00001 and 0.00001; gnomAD exomes below 0.00001.
gnomAD v4.1: 2 of 1,570,344 alleles (0.00013%); highest among the groups gnomAD compares: Admixed American, 0.0019%; no homozygotes.

Submissions (2):

Molecular Diagnostic Laboratory for Inherited Cardiovascular Disease, Montreal Heart Institute
Classification: Likely pathogenic for Cardiovascular phenotype. Last evaluated: 2026-08-05. Review status: criteria provided, single submitter. Criteria: ACMG Guidelines, 2015. Collection method: clinical testing. Allele origin: germline. Affected: yes.

Labcorp Genetics (formerly Invitae), Labcorp
Classification: Uncertain significance for Hypertrophic cardiomyopathy. Last evaluated: 2018-02-07. Review status: criteria provided, single submitter. Criteria: Invitae Variant Classification Sherloc (09022015). Collection method: clinical testing. Allele origin: germline.
Comment: In summary, the available evidence is currently insufficient to determine the role of this variant in disease. Therefore, it has been classified as a Variant of Uncertain Significance. Nucleotide substitutions within the consensus splice site are a relatively common cause of aberrant splicing (PMID: 17576681, 9536098). Algorithms developed to predict the effect of sequence changes on RNA splicing suggest that this variant may disrupt the consensus splice site, but this prediction has not been confirmed by published transcriptional studies. This variant has not been reported in the literature in individuals with MYBPC3-related disease. This variant is not present in population databases (ExAC no frequency). This sequence change affects codon 998 of the MYBPC3 mRNA. It is a 'silent' change, meaning that it does not change the encoded amino acid sequence of the MYBPC3 protein. This variant also falls at the last nucleotide of exon 28 of the MYBPC3 coding sequence, which is part of the consensus splice site for this exon.

Literature cited by the submitters: PubMed 17576681 (cited by Labcorp Genetics (formerly Invitae), Labcorp); PubMed 9536098 (cited by Labcorp Genetics (formerly Invitae), Labcorp).

NM_000256.3(MYBPC3):c.2994G>A (p.Gln998=)

Gene: MYBPC3 (myosin binding protein C3; minus strand). Cytogenetic location: 11p11.2.
Variant type: single nucleotide variant.
Coding change: c.2994G>A on transcript NM_000256.3 (MANE Select); coding-DNA position 2994, G replaced by A.
Protein change: p.Gln998=; no amino-acid change (glutamine 998 retained).
Molecular consequence: synonymous variant.
Genome position (GRCh38, 1-based): chr11:47,333,922, C>T on the plus strand (G>A on the coding strand, the complement: MYBPC3 is on the minus strand). VCF-style: chr11-47333922-C-T. GRCh37 (hg19) VCF-style: chr11-47355473-C-T.
Other names: c.2994G>A, p.Gln998= (LRG_386t1).
Identifiers: ClinVar variation 523711 (VCV000523711.10), dbSNP rs1555120639, ClinGen allele CA474429155.